The following is an entry in ClinVar:

NM_000455.5(STK11):c.1210T>C (p.Ser404Pro)

Gene: STK11 (serine/threonine kinase 11; plus strand). Cytogenetic location: 19p13.3.
Variant type: single nucleotide variant.
Coding change: c.1210T>C on transcript NM_000455.5 (MANE Select); coding-DNA position 1210, T replaced by C.
Protein change: p.Ser404Pro; replaces serine 404 with proline.
Molecular consequence: missense variant.
Genome position (GRCh38, 1-based): chr19:1,226,555, T>C. VCF-style: chr19-1226555-T-C. GRCh37 (hg19) VCF-style: chr19-1226554-T-C.
Other names: short protein forms S404P.
Identifiers: ClinVar variation 527818 (VCV000527818.13), dbSNP rs1555740191, ClinGen allele CA402953749.

ClinVar aggregate classification (germline): Conflicting classifications of pathogenicity. Review status: criteria provided, conflicting classifications (1 of 4 stars). 4 submissions from 4 submitters: Uncertain significance (3); Likely benign (1). Last evaluated 2026-05-08.

Conditions:
Hereditary cancer-predisposing syndrome. Also called: Tumor predisposition; Hereditary neoplastic syndrome; Neoplastic Syndromes, Hereditary; Hereditary Cancer Syndrome. Identifiers: Orphanet 140162, MedGen C0027672, MeSH D009386, MONDO:0015356.
Peutz-Jeghers syndrome (PJS). Also called: POLYPOSIS, HAMARTOMATOUS INTESTINAL; POLYPS-AND-SPOTS SYNDROME; Peutz-Jeghers polyposis; Periorificial lentiginosis syndrome. Identifiers: Orphanet 2869, MedGen C0031269, MeSH D010580, MONDO:0008280, OMIM 175200.

Submissions (4):

Ambry Genetics
Classification: Likely benign for Hereditary cancer-predisposing syndrome. Last evaluated: 2026-05-08. Review status: criteria provided, single submitter. Criteria: Ambry Variant Classification Scheme 2023. Collection method: clinical testing. Allele origin: germline.

Labcorp Genetics (formerly Invitae), Labcorp
Classification: Uncertain significance for Peutz-Jeghers syndrome. Last evaluated: 2025-09-05. Review status: criteria provided, single submitter. Criteria: Invitae Variant Classification Sherloc (09022015). Collection method: clinical testing. Allele origin: germline.
Comment: This sequence change replaces serine, which is neutral and polar, with proline, which is neutral and non-polar, at codon 404 of the STK11 protein (p.Ser404Pro). This variant is not present in population databases (gnomAD no frequency). This variant has not been reported in the literature in individuals affected with STK11-related conditions. ClinVar contains an entry for this variant (Variation ID: 527818). Invitae Evidence Modeling of protein sequence and biophysical properties (such as structural, functional, and spatial information, amino acid conservation, physicochemical variation, residue mobility, and thermodynamic stability) indicates that this missense variant is not expected to disrupt STK11 protein function with a negative predictive value of 95%. In summary, the available evidence is currently insufficient to determine the role of this variant in disease. Therefore, it has been classified as a Variant of Uncertain Significance.

Quest Diagnostics Nichols Institute San Juan Capistrano
Classification: Uncertain significance. Last evaluated: 2025-03-06. Review status: criteria provided, single submitter. Criteria: Quest Diagnostics criteria. Collection method: clinical testing. Allele origin: unknown.
Comment: The STK11 c.1210T>C (p.Ser404Pro) variant has not been reported in individuals with STK11-related conditions in the published literature. It also has not been reported in large, multi-ethnic general populations (Genome Aggregation Database). Analysis of this variant using bioinformatics tools for the prediction of the effect of amino acid changes on protein structure and function yielded predictions that this variant is benign. Based on the available information, we are unable to determine the clinical significance of this variant.

Color Diagnostics, LLC DBA Color Health
Classification: Uncertain significance for Hereditary cancer-predisposing syndrome. Last evaluated: 2023-08-30. Review status: criteria provided, single submitter. Criteria: ACMG Guidelines, 2015. Collection method: clinical testing. Allele origin: germline.
Comment: This missense variant replaces serine with proline at codon 404 of the STK11 protein. Computational prediction suggests that this variant may not impact protein structure and function (internally defined REVEL score threshold <= 0.5, PMID: 27666373). To our knowledge, functional studies have not been reported for this variant. This variant has not been reported in individuals affected with STK11-related disorders in the literature. This variant has not been identified in the general population by the Genome Aggregation Database (gnomAD). The available evidence is insufficient to determine the role of this variant in disease conclusively. Therefore, this variant is classified as a Variant of Uncertain Significance.